The following is an entry in ClinVar:

NM_033100.4(CDHR1):c.1679_1681dup (p.Ala560dup)

Gene: CDHR1 (cadherin related family member 1; plus strand). Cytogenetic location: 10q23.1.
Variant type: Duplication.
Coding change: c.1679_1681dup on transcript NM_033100.4 (MANE Select); coding-DNA positions 1679 to 1681, 3 bases duplicated (CTG; older notation c.1679_1681dupCTG).
Protein change: p.Ala560dup; duplicates alanine 560.
Molecular consequence: inframe insertion.
Genome position (GRCh38, 1-based): chr10:84,212,304-84,212,306, CTG duplicated; duplicating any 3 consecutive bases within chr10:84,212,303-84,212,306 gives the same sequence; the c. name uses the placement nearest the transcript's 3' end. VCF-style (leftmost placement, unchanged base first): chr10-84212302-A-AGCT. GRCh37 (hg19) VCF-style: chr10-85972058-A-AGCT.
Other names: c.1679_1681dup, p.Ala560dup (NM_001171971.3).
Identifiers: ClinVar variation 972464 (VCV000972464.10), dbSNP rs1564664845, ClinGen allele CA594884169.

ClinVar aggregate classification (germline): Uncertain significance (1 of 4 stars; one submission).

Submission:

Labcorp Genetics (formerly Invitae), Labcorp
Classification: Uncertain significance. Last evaluated: 2024-01-23. Review status: criteria provided, single submitter. Criteria: Invitae Variant Classification Sherloc (09022015). Collection method: clinical testing. Allele origin: germline.
Comment: This variant, c.1679_1681dup, results in the insertion of 1 amino acid(s) of the CDHR1 protein (p.Ala560dup), but otherwise preserves the integrity of the reading frame. This variant is present in population databases (no rsID available, gnomAD 0.007%). This variant has not been reported in the literature in individuals affected with CDHR1-related conditions. ClinVar contains an entry for this variant (Variation ID: 972464). Experimental studies and prediction algorithms are not available or were not evaluated, and the functional significance of this variant is currently unknown. In summary, the available evidence is currently insufficient to determine the role of this variant in disease. Therefore, it has been classified as a Variant of Uncertain Significance.